The following is an entry in ClinVar:

NM_000092.5(COL4A4):c.4557G>A (p.Thr1519=)

Gene: COL4A4 (collagen type IV alpha 4 chain; minus strand). Cytogenetic location: 2q36.3.
Variant type: single nucleotide variant.
Coding change: c.4557G>A on transcript NM_000092.5 (MANE Select); coding-DNA position 4557, G replaced by A.
Protein change: p.Thr1519=; no amino-acid change (threonine 1519 retained).
Molecular consequence: synonymous variant.
Genome position (GRCh38, 1-based): chr2:227,008,270, C>T on the plus strand (G>A on the coding strand, the complement: COL4A4 is on the minus strand). VCF-style: chr2-227008270-C-T. GRCh37 (hg19) VCF-style: chr2-227872986-C-T.
Other names: c.4557G>A (NM_000092.4).
Identifiers: ClinVar variation 1124060 (VCV001124060.10), dbSNP rs746374430, ClinGen allele CA2144120.

ClinVar aggregate classification (germline): Likely benign. Review status: criteria provided, multiple submitters, no conflicts (2 of 4 stars). 2 submissions from 2 submitters: Likely benign (2). Last evaluated 2025-12-26.

Conditions:
COL4A4-related disorder.

Allele frequency attached by ClinVar (database versions not stated): ExAC 0.00001; gnomAD 0.00002; TOPMed 0.00002.
gnomAD v4.1: 13 of 1,614,076 alleles (0.00081%); highest among the groups gnomAD compares: East Asian, 0.0022%; no homozygotes.

Submissions (2):

Labcorp Genetics (formerly Invitae), Labcorp
Classification: Likely benign. Last evaluated: 2025-12-26. Review status: criteria provided, single submitter. Criteria: Invitae Variant Classification Sherloc (09022015). Collection method: clinical testing. Allele origin: germline.

PreventionGenetics, part of Exact Sciences
Classification: Likely benign for COL4A4-related condition. Last evaluated: 2025-09-23. Review status: criteria provided, single submitter. Criteria: ACMG Guidelines, 2015. Collection method: clinical testing. Allele origin: germline.
Comment: This variant is classified as likely benign based on ACMG/AMP sequence variant interpretation guidelines (Richards et al. 2015 PMID: 25741868, with internal and published modifications).